The following is an entry in ClinVar:

NM_153766.3(KCNJ1):c.221_231del (p.Phe74fs)

Gene: KCNJ1 (potassium inwardly rectifying channel subfamily J member 1; minus strand). Cytogenetic location: 11q24.3.
Variant type: Deletion.
Coding change: c.221_231del on transcript NM_153766.3 (MANE Select); coding-DNA positions 221 to 231, 11 bases deleted (TTTTCTTTGGT).
Protein change: p.Phe74fs; shifts the reading frame from phenylalanine 74.
Molecular consequence: frameshift variant.
Genome position (GRCh38, 1-based): chr11:128,840,013-128,840,023, ACCAAAGAAAA deleted on the plus strand (TTTTCTTTGGT on the coding strand, the reverse complement: KCNJ1 is on the minus strand); deleting any 11 consecutive bases within chr11:128,840,013-128,840,028 gives the same sequence; the c. name uses the placement nearest the transcript's 3' end. VCF-style (leftmost placement, unchanged base first): chr11-128840012-GACCAAAGAAAA-G. GRCh37 (hg19) VCF-style: chr11-128709907-GACCAAAGAAAA-G.
Other names: c.278_288del, p.Phe93fs (NM_000220.6); c.221_231del, p.Phe74fs (NM_153764.3, NM_153767.4); c.272_282del, p.Phe91fs (NM_153765.3); short protein forms F91fs, F93fs, F74fs.
Identifiers: ClinVar variation 3646997 (VCV003646997.2).
Genomic context (GRCh38, chr11:128,840,012, plus strand): 5'-TGGCAGAAGGATGGAATTCCGGGAGGTCTTTGTGAATGTACGCTACTGCATACCACAGGA[GACCAAAGAAAA>G]ACCAACTCCCCAAGAAGGCTGTGATGAAAATGGTCATTTTGTATCTCCACTTGAGGTCAA-3'

ClinVar aggregate classification (germline): Pathogenic (1 of 4 stars; one submission).

Submission:

Labcorp Genetics (formerly Invitae), Labcorp
Classification: Pathogenic. Last evaluated: 2024-03-20. Review status: criteria provided, single submitter. Criteria: Invitae Variant Classification Sherloc (09022015). Collection method: clinical testing. Allele origin: germline.
Comment: This sequence change creates a premature translational stop signal (p.Phe93Serfs*30) in the KCNJ1 gene. While this is not anticipated to result in nonsense mediated decay, it is expected to disrupt the last 299 amino acid(s) of the KCNJ1 protein. This variant is not present in population databases (gnomAD no frequency). This variant has not been reported in the literature in individuals affected with KCNJ1-related conditions. This variant disrupts a region of the KCNJ1 protein in which other variant(s) (p.His354Serfs*8) have been determined to be pathogenic (PMID: 11318951). This suggests that this is a clinically significant region of the protein, and that variants that disrupt it are likely to be disease-causing. For these reasons, this variant has been classified as Pathogenic.

Literature cited by the submitters: PubMed 11318951.